The following is an entry in ClinVar:

NM_001042492.3(NF1):c.1527+2T>C

Gene: NF1 (neurofibromin 1; plus strand). Cytogenetic location: 17q11.2.
Variant type: single nucleotide variant.
Coding change: c.1527+2T>C on transcript NM_001042492.3 (MANE Select); the canonical splice donor site of the intron after coding-DNA position 1527, T replaced by C.
Molecular consequence: splice donor variant.
Genome position (GRCh38, 1-based): chr17:31,214,587, T>C. VCF-style: chr17-31214587-T-C. GRCh37 (hg19) VCF-style: chr17-29541605-T-C.
Other names: c.1527+2T>C (NM_000267.4, NM_001128147.3).
Identifiers: ClinVar variation 547593 (VCV000547593.6), dbSNP rs1064796700, ClinGen allele CA399001714.

ClinVar aggregate classification (germline): Pathogenic/Likely pathogenic. Review status: criteria provided, multiple submitters, no conflicts (2 of 4 stars). 2 submissions from 2 submitters: Pathogenic (1); Likely pathogenic (1). Last evaluated 2022-03-18.

Conditions:
Neurofibromatosis, type 1 (NF1). Also called: NEUROFIBROMATOSIS, TYPE I, SOMATIC; VON RECKLINGHAUSEN DISEASE; Peripheral type neurofibromatosis; Neurofibromatosis, type I. Identifiers: Orphanet 636, MedGen C0027831, MONDO:0018975, OMIM 162200. Disease mechanism: loss of function.

Submissions (2):

Labcorp Genetics (formerly Invitae), Labcorp
Classification: Pathogenic for Neurofibromatosis, type 1. Last evaluated: 2022-03-18. Review status: criteria provided, single submitter. Criteria: Invitae Variant Classification Sherloc (09022015). Collection method: clinical testing. Allele origin: germline.
Comment: For these reasons, this variant has been classified as Pathogenic. Studies have shown that disruption of this splice site results in skipping of exon 13, but is expected to preserve the integrity of the reading-frame (PMID: 27074763). ClinVar contains an entry for this variant (Variation ID: 547593). Disruption of this splice site has been observed in individual(s) with neurofibromatosis type 1 (PMID: 27074763, 30530636, 31717729). In at least one individual the variant was observed to be de novo. This variant is not present in population databases (gnomAD no frequency). This sequence change affects a donor splice site in intron 13 of the NF1 gene. RNA analysis indicates that disruption of this splice site induces altered splicing and likely results in a shortened protein product.

Center for Human Genetics, Inc
Classification: Likely pathogenic for Neurofibromatosis, type 1. Last evaluated: 2016-11-01. Review status: criteria provided, single submitter. Criteria: ACMG Guidelines, 2015. Collection method: clinical testing. Allele origin: germline. Affected: yes.

Literature cited by the submitters: PubMed 27074763 (cited by Labcorp Genetics (formerly Invitae), Labcorp); PubMed 30530636 (cited by Labcorp Genetics (formerly Invitae), Labcorp); PubMed 31717729 (cited by Labcorp Genetics (formerly Invitae), Labcorp).